The following is an entry in ClinVar:

ClinVar aggregate classification (germline): Uncertain significance. Review status: criteria provided, multiple submitters, no conflicts (2 of 4 stars). 2 submissions from 2 submitters: Uncertain significance (2). Last evaluated 2022-07-13.

Conditions:
Inborn genetic diseases. Identifiers: MedGen C0950123, MeSH D030342.

Allele frequency attached by ClinVar (database versions not stated): TOPMed 0.00001; ExAC 0.00002; gnomAD 0.00003.
gnomAD v4.1: 23 of 1,613,002 alleles (0.0014%); highest among the groups gnomAD compares: African/African-American, 0.012%; no homozygotes.

Submissions (2):

Ambry Genetics
Classification: Uncertain significance for Inborn genetic diseases. Last evaluated: 2022-07-13. Review status: criteria provided, single submitter. Criteria: Ambry Variant Classification Scheme 2023. Collection method: clinical testing. Allele origin: germline.

Labcorp Genetics (formerly Invitae), Labcorp
Classification: Uncertain significance. Last evaluated: 2022-03-04. Review status: criteria provided, single submitter. Criteria: Invitae Variant Classification Sherloc (09022015). Collection method: clinical testing. Allele origin: germline.
Comment: This sequence change replaces arginine, which is basic and polar, with histidine, which is basic and polar, at codon 1427 of the PTPN23 protein (p.Arg1427His). This variant is present in population databases (rs780129598, gnomAD 0.02%). This variant has not been reported in the literature in individuals affected with PTPN23-related conditions. Algorithms developed to predict the effect of missense changes on protein structure and function output the following: SIFT: "Deleterious"; PolyPhen-2: "Possibly Damaging"; Align-GVGD: "Class C0". The histidine amino acid residue is found in multiple mammalian species, which suggests that this missense change does not adversely affect protein function. In summary, the available evidence is currently insufficient to determine the role of this variant in disease. Therefore, it has been classified as a Variant of Uncertain Significance.

NM_015466.4(PTPN23):c.4280G>A (p.Arg1427His)

Gene: PTPN23 (protein tyrosine phosphatase non-receptor type 23; plus strand). Cytogenetic location: 3p21.31.
Variant type: single nucleotide variant.
Coding change: c.4280G>A on transcript NM_015466.4 (MANE Select); coding-DNA position 4280, G replaced by A.
Protein change: p.Arg1427His; replaces arginine 1427 with histidine.
Molecular consequence: missense variant.
Genome position (GRCh38, 1-based): chr3:47,412,384, G>A. VCF-style: chr3-47412384-G-A. GRCh37 (hg19) VCF-style: chr3-47453874-G-A.
Other names: c.3902G>A, p.Arg1301His (NM_001304482.2); c.4280G>A (NM_015466.2); short protein forms R1427H, R1301H.
Identifiers: ClinVar variation 2185177 (VCV002185177.2), dbSNP rs780129598, ClinGen allele CA2366536.